The following is an entry in ClinVar:

ClinVar aggregate classification (germline): Pathogenic. Review status: criteria provided, single submitter (1 of 4 stars). 2 submissions from 2 submitters: Pathogenic (1). 1 of the submissions does not count toward it. Last evaluated 2021-05-29.

Conditions:
Retinal dystrophy. Also called: Inherited retinal dystrophy. Identifiers: Orphanet 71862, MedGen C0854723, MeSH D058499, MONDO:0019118, HP:0000556.

Submissions (2):

Labcorp Genetics (formerly Invitae), Labcorp
Classification: Pathogenic. Last evaluated: 2021-05-29. Review status: criteria provided, single submitter. Criteria: Invitae Variant Classification Sherloc (09022015). Collection method: clinical testing. Allele origin: germline.
Comment: This variant is not present in population databases (ExAC no frequency). For these reasons, this variant has been classified as Pathogenic. This variant has not been reported in the literature in individuals with EYS-related conditions. This sequence change creates a premature translational stop signal (p.Ser1168*) in the EYS gene. It is expected to result in an absent or disrupted protein product. Loss-of-function variants in EYS are known to be pathogenic (PMID: 18836446, 20333770).

Institute of Human Genetics, Univ. Regensburg, Univ. Regensburg
Classification: Pathogenic for Retinal dystrophy. Last evaluated: 2022-01-01. Review status: no assertion criteria provided. Criteria: ACMG Guidelines, 2015. Collection method: clinical testing. Allele origin: germline. Affected: yes. Not counted in ClinVar's aggregate classification.

Literature cited by the submitters: PubMed 18836446 (cited by Labcorp Genetics (formerly Invitae), Labcorp); PubMed 20333770 (cited by Labcorp Genetics (formerly Invitae), Labcorp).

NM_001142800.2(EYS):c.3503C>A (p.Ser1168Ter)

Gene: EYS (EGF-like photoreceptor maintenance factor; minus strand). Cytogenetic location: 6q12.
Variant type: single nucleotide variant.
Coding change: c.3503C>A on transcript NM_001142800.2 (MANE Select); coding-DNA position 3503, C replaced by A.
Protein change: p.Ser1168Ter; replaces serine 1168 with a stop codon.
Molecular consequence: nonsense.
Genome position (GRCh38, 1-based): chr6:64,626,186, G>T on the plus strand (C>A on the coding strand, the complement: EYS is on the minus strand). VCF-style: chr6-64626186-G-T. GRCh37 (hg19) VCF-style: chr6-65336079-G-T.
Other names: c.3503C>A, p.Ser1168Ter (NM_001292009.2); short protein forms S1168*.
Identifiers: ClinVar variation 1423424 (VCV001423424.7), dbSNP rs894122437, ClinGen allele CA364785401.